The following is an entry in ClinVar:

ClinVar aggregate classification (germline): Uncertain significance (1 of 4 stars; one submission).

Conditions:
Vitamin B2 deficiency. Identifiers: MedGen C0035528.

Submission:

Labcorp Genetics (formerly Invitae), Labcorp
Classification: Uncertain significance for Vitamin B2 deficiency. Last evaluated: 2025-12-02. Review status: criteria provided, single submitter. Criteria: Invitae Variant Classification Sherloc (09022015). Collection method: clinical testing. Allele origin: germline.
Comment: This sequence change is expected to alter the c-terminus of the SLC52A1 protein (p.Val376Glyfs*124). While this is not anticipated to result in nonsense mediated decay, it is expected to disrupt the last 73 amino acid(s) of the SLC52A1 protein and extend the protein by 50 additional amino acid residues. This variant is not present in population databases (gnomAD no frequency). This variant has not been reported in the literature in individuals affected with SLC52A1-related conditions. Algorithms developed to predict the effect of sequence changes on RNA splicing suggest that this variant may disrupt the consensus splice site. In summary, the available evidence is currently insufficient to determine the role of this variant in disease. Therefore, it has been classified as a Variant of Uncertain Significance.

NM_017986.4(SLC52A1):c.1124dup (p.Val376fs)

Gene: SLC52A1 (solute carrier family 52 member 1; minus strand). Cytogenetic location: 17p13.2.
Variant type: Duplication.
Coding change: c.1124dup on transcript NM_017986.4 (MANE Select); coding-DNA position 1124, one base duplicated (T; older notation c.1124dupT).
Protein change: p.Val376fs; shifts the reading frame from valine 376.
Molecular consequence: frameshift variant.
Genome position (GRCh38, 1-based): chr17:5,033,271, A duplicated on the plus strand (T on the coding strand, the reverse complement: SLC52A1 is on the minus strand). VCF-style (leftmost placement, unchanged base first): chr17-5033270-C-CA. GRCh37 (hg19) VCF-style: chr17-4936565-C-CA.
Other names: c.1124dup, p.Val376fs (NM_001104577.2); short protein forms V376fs.
Identifiers: ClinVar variation 4768027 (VCV004768027.1).